The following is an entry in ClinVar:

NM_014334.4(FRRS1L):c.-63G>A

Gene: FRRS1L (ferric chelate reductase 1 like; minus strand). Cytogenetic location: 9q31.3.
Variant type: single nucleotide variant.
Coding change: c.-63G>A on transcript NM_014334.4 (MANE Select); 63 bases upstream of the start codon, G replaced by A.
Molecular consequence: 5 prime UTR variant.
Genome position (GRCh38, 1-based): chr9:109,167,201, C>T on the plus strand (G>A on the coding strand, the complement: FRRS1L is on the minus strand). VCF-style: chr9-109167201-C-T. GRCh37 (hg19) VCF-style: chr9-111929481-C-T.
Other names: p.Ala31Thr; c.91G>A (NM_014334.3).
Identifiers: ClinVar variation 542875 (VCV000542875.55), dbSNP rs530413587, ClinGen allele CA5177497.

ClinVar aggregate classification (germline): Conflicting classifications of pathogenicity. Review status: criteria provided, conflicting classifications (1 of 4 stars). 8 submissions from 8 submitters: Uncertain significance (1); Likely benign (6). 1 of the submissions does not count toward it. Last evaluated 2026-04-01.

Conditions:
Developmental and epileptic encephalopathy, 37 (DEE37). Also called: Epileptic encephalopathy, early infantile, 37. Identifiers: MedGen C4310770, MONDO:0014859, OMIM 616981.
Inborn genetic diseases. Identifiers: MedGen C0950123, MeSH D030342.
FRRS1L-related disorder. Also called: FRRS1L-related condition.

Allele frequency attached by ClinVar (database versions not stated): ExAC below 0.00001; gnomAD exomes 0.00025; 1000 Genomes Project 0.00120; TOPMed 0.00289; gnomAD 0.00290 and 0.00313; 1000 Genomes Project 30x 0.00312.
gnomAD v4.1: 718 of 1,255,274 alleles (0.057%); highest among the groups gnomAD compares: African/African-American, 1%; no homozygotes.

Submissions (8):

CeGaT Center for Human Genetics Tuebingen
Classification: Likely benign. Last evaluated: 2026-04-01. Review status: criteria provided, single submitter. Criteria: CeGaT Center For Human Genetics Tuebingen Variant Classification Criteria Version 2. Collection method: clinical testing. Allele origin: germline. Affected: yes. Observed: 3 variant alleles.
Comment: FRRS1L: BS1

Labcorp Genetics (formerly Invitae), Labcorp
Classification: Likely benign for Developmental and epileptic encephalopathy, 37. Last evaluated: 2026-02-02. Review status: criteria provided, single submitter. Criteria: Invitae Variant Classification Sherloc (09022015). Collection method: clinical testing. Allele origin: germline.

Mayo Clinic Laboratories, Mayo Clinic
Classification: Likely benign. Last evaluated: 2025-11-13. Review status: criteria provided, single submitter. Criteria: ACMG Guidelines, 2015. Collection method: clinical testing. Allele origin: germline. Observed: 3 variant alleles.
Comment: BS1, BP4_moderate

Blueprint Genetics
Classification: Likely benign. Last evaluated: 2024-11-13. Review status: criteria provided, single submitter. Criteria: ACMG Guidelines, 2015. Collection method: clinical testing. Allele origin: germline.

Ambry Genetics
Classification: Uncertain significance for Inborn genetic diseases. Last evaluated: 2023-02-15. Review status: criteria provided, single submitter. Criteria: Ambry Variant Classification Scheme 2023. Collection method: clinical testing. Allele origin: germline.

GeneDx
Classification: Likely benign. Last evaluated: 2021-09-23. Review status: criteria provided, single submitter. Criteria: GeneDx Variant Classification Process June 2021. Collection method: clinical testing. Allele origin: germline. Affected: yes.

Breakthrough Genomics
Classification: Likely benign. Review status: criteria provided, single submitter. Criteria: ACMG Guidelines, 2015. Collection method: not provided. Allele origin: germline. Inheritance: Autosomal recessive inheritance. Affected: yes.

PreventionGenetics, part of Exact Sciences
Classification: Benign for FRRS1L-related condition. Last evaluated: 2021-10-04. Review status: no assertion criteria provided. Collection method: clinical testing. Allele origin: germline. Not counted in ClinVar's aggregate classification.
Comment: This variant is classified as benign based on ACMG/AMP sequence variant interpretation guidelines (Richards et al. 2015 PMID: 25741868, with internal and published modifications).